The following is an entry in ClinVar:

NM_018082.6(POLR3B):c.1857-2A>C

Gene: POLR3B (RNA polymerase III subunit B; plus strand). Cytogenetic location: 12q23.3.
Variant type: single nucleotide variant.
Coding change: c.1857-2A>C on transcript NM_018082.6 (MANE Select); the canonical splice acceptor site of the intron before coding-DNA position 1857, A replaced by C.
Molecular consequence: splice acceptor variant.
Genome position (GRCh38, 1-based): chr12:106,437,679, A>C. VCF-style: chr12-106437679-A-C. GRCh37 (hg19) VCF-style: chr12-106831457-A-C.
Other names: IVS17AS, A-C, -2; c.1683-2A>C (NM_001160708.2).
Identifiers: ClinVar variation 31160 (VCV000031160.5), dbSNP rs267608686, ClinGen allele CA342785.
Genomic context (GRCh38, chr12:106,437,679, plus strand): 5'-TTATATAAAATACTGCAGAAAAATGCTTTTTAATGATGTCTCTTTCACCAATATTTTCCC[A>C]GGAATTTTGAAGATTTCTTACATGAGAGTCTGGTTGAATATTTAGATGTGAATGAAGAAA-3'

ClinVar aggregate classification (germline): Likely pathogenic. Review status: criteria provided, single submitter (1 of 4 stars). 3 submissions from 3 submitters: Likely pathogenic (1). 2 of the submissions do not count toward it. Last evaluated 2022-02-28.

Conditions:
Leukodystrophy, hypomyelinating, 8, with or without oligodontia and/or hypogonadotropic hypogonadism. Also called: LEUKODYSTROPHY, HYPOMYELINATING, 8, WITH HYPODONTIA AND HYPOGONADOTROPIC HYPOGONADISM; Endosteal sclerosis-cerebellar hypoplasia syndrome; Hypomyelinating leukodystrophy 8 with or without oligodontia and-or hypogonadotropic hypogonadism. Identifiers: Orphanet 85186, Orphanet 88637, MedGen C3280644, MONDO:0013722, OMIM 614381.

Allele frequency attached by ClinVar (database versions not stated): TOPMed below 0.00001; ExAC 0.00001; gnomAD 0.00001.
gnomAD v4.1: 11 of 1,547,958 alleles (0.00071%); highest among the groups gnomAD compares: East Asian, 0.025%; no homozygotes.

Submissions (3):

Broad Center for Mendelian Genomics, Broad Institute of MIT and Harvard
Classification: Likely pathogenic for Leukodystrophy, hypomyelinating, 8, with or without oligodontia and/or hypogonadotropic hypogonadism. Last evaluated: 2022-02-28. Review status: criteria provided, single submitter. Criteria: ACMG Guidelines, 2015. Collection method: curation. Allele origin: germline. Inheritance: Autosomal recessive inheritance.
Comment: The c.1857-2A>C variant in POLR3B has been reported in 2 individuals in the compound heterozygous state with 4H leukodystrophy (PMID: 22036171, 26597493), and has been identified in 0.005% (1/18252) of East Asian chromosomes by the Genome Aggregation Database (gnomAD; dbSNP ID: rs267608686). Although this variant has been seen in the general population in a heterozygous state, its frequency is low enough to be consistent with a recessive carrier frequency. This variant has also been reported in ClinVar (Variation ID#: 31160) and has been interpreted as pathogenic by OMIM and GeneReviews. In vitro functional studies provide some evidence that the c.1857-2A>C variant may impact protein function (PMID: 22036171). However, these types of assays may not accurately represent biological function. This variant is located in the 5' splice region. Computational tools predict a splicing impact, though this information is not predictive enough to determine pathogenicity. This variant is adjacent to an in-frame exon and is more likely to escape nonsense mediated decay (NMD) and result in a truncated protein. Loss of function of the POLR3B gene is an established disease mechanism in autosomal recessive 4H leukodystrophy. In summary, although additional studies are required to fully establish its clinical significance, this variant is likely pathogenic for autosomal recessive 4H leukodystrophy. ACMG/AMP Criteria applied: PM2, PS3_moderate, PVS1_moderate (Richards 2015).

OMIM
Classification: Pathogenic for LEUKODYSTROPHY, HYPOMYELINATING, 8, WITHOUT HYPODONTIA AND WITH HYPOGONADOTROPIC HYPOGONADISM. Last evaluated: 2011-11-11. Review status: no assertion criteria provided. Collection method: literature only. Allele origin: germline. Not counted in ClinVar's aggregate classification.

GeneReviews
No classification provided. Condition: Leukodystrophy, hypomyelinating, 8, with or without oligodontia and/or hypogonadotropic hypogonadism. Review status: no classification provided. Collection method: literature only. Allele origin: germline. Not counted in ClinVar's aggregate classification.

Literature cited by the submitters: PubMed 22036171 (cited by 3 submitters); PubMed 22855961 (cited by GeneReviews).